The following is an entry in ClinVar:

NM_000038.6(APC):c.4091GTG[1] (p.Gly1365del)

Gene: APC (APC regulator of Wnt signaling pathway; plus strand). Cytogenetic location: 5q22.2.
Variant type: Microsatellite.
Coding change: c.4091GTG[1] on transcript NM_000038.6 (MANE Select); one copy of the 3-base unit GTG starting at c.4091; the reference has two copies in a row; one copy, 3 bases deleted.
Protein change: p.Gly1365del; deletes glycine 1365.
Molecular consequence: inframe deletion.
Genome position (GRCh38, 1-based): chr5:112,839,688-112,839,690, GTG deleted; deleting any 3 consecutive bases within chr5:112,839,685-112,839,690 gives the same sequence; the position shown is the placement nearest the transcript's 3' end. VCF-style (leftmost placement, unchanged base first): chr5-112839684-AGTG-A. GRCh37 (hg19) VCF-style: chr5-112175381-AGTG-A.
Other names: c.4091GTG[1], p.Gly1365del (NM_001127510.3, NM_001354895.2); c.4037GTG[1], p.Gly1347del (NM_001127511.3); c.4145GTG[1], p.Gly1383del (NM_001354896.2); c.4121GTG[1], p.Gly1375del (NM_001354897.2); c.4016GTG[1], p.Gly1340del (NM_001354898.2); c.4007GTG[1], p.Gly1337del (NM_001354899.2); c.3968GTG[1], p.Gly1324del (NM_001354900.2); c.3914GTG[1], p.Gly1306del (NM_001354901.2); and 5 more; short protein forms G1383del, G1205del, G1264del, G1337del, G1340del, G1324del, G1347del, G1365del.
Identifiers: ClinVar variation 632637 (VCV000632637.3), dbSNP rs1580643938, ClinGen allele CA913189676.
Genomic context (GRCh38, chr5:112,839,684, plus strand): 5'-TCAGAATCAGCCAGGCACAAAGCTGTTGAATTTTCTTCAGGAGCGAAATCTCCCTCCAAA[AGTG>A]GTGCTCAGACACCCAAAAGTCCACCTGAACACTATGTTCAGGAGACCCCACTCATGTTTA-3'

ClinVar aggregate classification (germline): Uncertain significance. Review status: criteria provided, multiple submitters, no conflicts (2 of 4 stars). 2 submissions from 2 submitters: Uncertain significance (2). Last evaluated 2025-05-09.

Conditions:
Hereditary cancer-predisposing syndrome. Also called: Tumor predisposition; Neoplastic Syndromes, Hereditary; Hereditary neoplastic syndrome; Hereditary Cancer Syndrome. Identifiers: Orphanet 140162, MedGen C0027672, MeSH D009386, MONDO:0015356.

Submissions (2):

Ambry Genetics
Classification: Uncertain significance for Hereditary cancer-predisposing syndrome. Last evaluated: 2025-05-09. Review status: criteria provided, single submitter. Criteria: Ambry Variant Classification Scheme 2023. Collection method: clinical testing. Allele origin: germline.
Comment: The c.4094_4096delGTG variant (also known as p.G1365del) is located in coding exon 15 of the APC gene. This variant results from an in-frame GTG deletion at nucleotide positions 4094 to 4096. This results in the in-frame deletion of a glycine at codon 1365. This amino acid position is highly conserved in available vertebrate species. In addition, the in silico prediction for this alteration is inconclusive (Choi Y et al. PLoS ONE. 2012; 7(10):e46688). Based on the available evidence, the clinical significance of this variant remains unclear.

Women's Health and Genetics/Laboratory Corporation of America, LabCorp
Classification: Uncertain significance. Last evaluated: 2017-11-24. Review status: criteria provided, single submitter. Criteria: LabCorp Variant Classification Summary - May 2015. Collection method: clinical testing. Allele origin: germline.
Comment: Variant summary: The APC c.4094_4096delGTG (p.Gly1365del) variant leads to the in frame deletion of a single amino acid, that is not located in any known functional domain (InterPro). One in silico tool predicts a damaging outcome for this variant. 5/5 splice prediction tools predict no significant impact on normal splicing, though one tool predicts the disappearance of a cryptic splice site. However, these predictions have yet to be confirmed by functional studies. This variant is absent in 245744 control chromosomes. The variant of interest has not, to our knowledge, been reported in affected individuals via publications and/or reputable databases/clinical diagnostic laboratories; nor evaluated for functional impact by in vivo/vitro studies. Because of the absence of clinical information and the lack of functional studies, the variant is classified as a variant of uncertain significance (VUS) until additional information becomes available.